The following is an entry in ClinVar:

ClinVar aggregate classification (germline): Uncertain significance (1 of 4 stars; one submission).

Submission:

Labcorp Genetics (formerly Invitae), Labcorp
Classification: Uncertain significance. Last evaluated: 2024-04-05. Review status: criteria provided, single submitter. Criteria: Invitae Variant Classification Sherloc (09022015). Collection method: clinical testing. Allele origin: germline.
Comment: This sequence change replaces aspartic acid, which is acidic and polar, with glutamic acid, which is acidic and polar, at codon 155 of the STAG2 protein (p.Asp155Glu). This variant is not present in population databases (gnomAD no frequency). This variant has not been reported in the literature in individuals affected with STAG2-related conditions. ClinVar contains an entry for this variant (Variation ID: 1717295). An algorithm developed to predict the effect of missense changes on protein structure and function (PolyPhen-2) suggests that this variant is likely to be tolerated. In summary, the available evidence is currently insufficient to determine the role of this variant in disease. Therefore, it has been classified as a Variant of Uncertain Significance.

NM_001042750.2(STAG2):c.465T>G (p.Asp155Glu)

Gene: STAG2 (STAG2 cohesin complex component; plus strand). Cytogenetic location: Xq25.
Variant type: single nucleotide variant.
Coding change: c.465T>G on transcript NM_001042750.2 (MANE Select); coding-DNA position 465, T replaced by G.
Protein change: p.Asp155Glu; replaces aspartic acid 155 with glutamic acid.
Molecular consequence: missense variant.
Genome position (GRCh38, 1-based): chrX:124,045,166, T>G. VCF-style: chrX-124045166-T-G. GRCh37 (hg19) VCF-style: chrX-123179016-T-G.
Other names: c.465T>G, p.Asp155Glu (NM_001375369.1, NM_001375370.1, NM_001375371.1 and 13 more transcripts); short protein forms D155E.
Identifiers: ClinVar variation 1717295 (VCV001717295.5), dbSNP rs2521233770, ClinGen allele CA414274298.